The following is an entry in ClinVar:

ClinVar aggregate classification (germline): Uncertain significance (1 of 4 stars; one submission).

Conditions:
Inborn genetic diseases. Identifiers: MedGen C0950123, MeSH D030342.

gnomAD v4.1: 2 of 1,613,356 alleles (0.00012%); highest among the groups gnomAD compares: Non-Finnish European, 0.00017%; no homozygotes.

Submission:

Ambry Genetics
Classification: Uncertain significance for Inborn genetic diseases. Last evaluated: 2024-09-30. Review status: criteria provided, single submitter. Criteria: Ambry Variant Classification Scheme 2023. Collection method: clinical testing. Allele origin: germline.
Comment: The p.Q416H variant (also known as c.1248G>C), located in coding exon 11 of the LRRK2 gene, results from a G to C substitution at nucleotide position 1248. The glutamine at codon 416 is replaced by histidine, an amino acid with highly similar properties. This amino acid position is conserved. In addition, this alteration is predicted to be tolerated by in silico analysis. Based on the available evidence, the clinical significance of this variant remains unclear.

NM_198578.4(LRRK2):c.1248G>C (p.Gln416His)

Gene: LRRK2 (leucine rich repeat kinase 2; plus strand). Cytogenetic location: 12q12.
Variant type: single nucleotide variant.
Coding change: c.1248G>C on transcript NM_198578.4 (MANE Select); coding-DNA position 1248, G replaced by C.
Protein change: p.Gln416His; replaces glutamine 416 with histidine.
Molecular consequence: missense variant.
Genome position (GRCh38, 1-based): chr12:40,252,976, G>C. VCF-style: chr12-40252976-G-C. GRCh37 (hg19) VCF-style: chr12-40646778-G-C.
Other names: short protein forms Q416H.
Identifiers: ClinVar variation 3540707 (VCV003540707.1).
Genomic context (GRCh38, chr12:40,252,976, plus strand): 5'-AGCTCATAGGGAAGTGATGCTCTCCATGCTGATGCATTCTTCATCAAAGGAAGTTTTCCA[G>C]GCATCTGCGAATGCATTGTCAACTCTCTTAGAACAAAATGGTAAGCAGTGGGCCATGTTT-3'
Protein context (NP_940980.4, residues 406-426): LMHSSSKEVF[Gln416His]ASANALSTLL